The following is an entry in ClinVar:

ClinVar aggregate classification (germline): Likely benign (1 of 4 stars; one submission).

Allele frequency attached by ClinVar (database versions not stated): gnomAD exomes 0.00058; gnomAD 0.00528 and 0.00558; TOPMed 0.00598; 1000 Genomes Project 0.00609; 1000 Genomes Project 30x 0.00645.
gnomAD v4.1: 1,183 of 1,055,918 alleles (0.11%); highest among the groups gnomAD compares: African/African-American, 2%; 13 homozygotes.

Submission:

GeneDx
Classification: Likely benign. Last evaluated: 2021-06-10. Review status: criteria provided, single submitter. Criteria: GeneDx Variant Classification Process June 2021. Collection method: clinical testing. Allele origin: germline. Affected: yes.
Comment: See Variant Classification Assertion Criteria.

NM_001278116.2(L1CAM):c.400+55G>A

Gene: L1CAM (L1 cell adhesion molecule; minus strand). Cytogenetic location: Xq28.
Variant type: single nucleotide variant.
Coding change: c.400+55G>A on transcript NM_001278116.2 (MANE Select); 55 bases into the intron after coding-DNA position 400, G replaced by A.
Molecular consequence: intron variant.
Genome position (GRCh38, 1-based): chrX:153,872,097, C>T on the plus strand (G>A on the coding strand, the complement: L1CAM is on the minus strand). VCF-style: chrX-153872097-C-T. GRCh37 (hg19) VCF-style: chrX-153137552-C-T.
Other names: c.385+55G>A (NM_001143963.2); c.400+55G>A (NM_024003.3, NM_000425.5).
Identifiers: ClinVar variation 1684086 (VCV001684086.2), dbSNP rs143000476, ClinGen allele CA337264162.
Genomic context (GRCh38, chrX:153,872,097, plus strand): 5'-CTGGCAGGACACCCAGGCCCCTCGCCACGAGACAACTGGCTGACAGCAGCTTCCAGCCCA[C>T]AATCCCACACGAACTCCGGGACCTGCCCTCCCTGGTCCCTGCAGCGCCTCGCACCCTCGG-3'